The following is an entry in ClinVar:

NM_000138.5(FBN1):c.7193C>G (p.Thr2398Ser)

Gene: FBN1 (fibrillin 1; minus strand). Cytogenetic location: 15q21.1.
Variant type: single nucleotide variant.
Coding change: c.7193C>G on transcript NM_000138.5 (MANE Select); coding-DNA position 7193, C replaced by G.
Protein change: p.Thr2398Ser; replaces threonine 2398 with serine.
Molecular consequence: missense variant.
Genome position (GRCh38, 1-based): chr15:48,427,578, G>C on the plus strand (C>G on the coding strand, the complement: FBN1 is on the minus strand). VCF-style: chr15-48427578-G-C. GRCh37 (hg19) VCF-style: chr15-48719775-G-C.
Other names: c.7193C>G, p.Thr2398Ser (NM_001406716.1); short protein forms T2398S.
Identifiers: ClinVar variation 3386760 (VCV003386760.1).

ClinVar aggregate classification (germline): Uncertain significance (1 of 4 stars; one submission).

Conditions:
Marfan syndrome (MFS). Also called: MARFAN SYNDROME, TYPE I; Marfan syndrome type 1; Marfan's syndrome; FBN1-Related Marfan Syndrome; Marfan syndrome, classic. Identifiers: Orphanet 284963, Orphanet 558, MedGen C0024796, MONDO:0007947, OMIM 154700.

gnomAD v4.1: 4 of 1,613,908 alleles (0.00025%); highest among the groups gnomAD compares: Non-Finnish European, 0.00025%; no homozygotes.

Submission:

All of Us Research Program, National Institutes of Health
Classification: Uncertain significance for Marfan syndrome. Last evaluated: 2024-09-23. Review status: criteria provided, single submitter. Criteria: ACMG Guidelines, 2015. Collection method: clinical testing. Allele origin: germline. Inheritance: Autosomal dominant inheritance. Observed: 1 variant allele, 1 heterozygote.
Comment: This study involves interpretation of variants in research participants for the purpose of population health screening. Participant phenotype was not available at the time of variant classification. Additional details can be found in publication PMID: 35346344, PMCID: PMC8962531